The following is an entry in ClinVar:

NM_007294.4(BRCA1):c.322G>C (p.Ala108Pro)

Gene: BRCA1 (BRCA1 DNA repair associated; minus strand). Cytogenetic location: 17q21.31.
Variant type: single nucleotide variant.
Coding change: c.322G>C on transcript NM_007294.4 (MANE Select); coding-DNA position 322, G replaced by C.
Protein change: p.Ala108Pro; replaces alanine 108 with proline.
Molecular consequence: missense variant. On other transcripts: 5 prime UTR variant (7), intron variant (2).
Genome position (GRCh38, 1-based): chr17:43,104,241, C>G on the plus strand (G>C on the coding strand, the complement: BRCA1 is on the minus strand). VCF-style: chr17-43104241-C-G. GRCh37 (hg19) VCF-style: chr17-41256258-C-G.
Other names: c.112G>C, p.Ala38Pro (NM_001407571.1, NM_001407853.1, NM_001407879.1 and 58 more transcripts); c.322G>C, p.Ala108Pro (NM_001407581.1, NM_001407582.1, NM_001407583.1 and 164 more transcripts); c.313G>C, p.Ala105Pro (NM_001407646.1, NM_001407647.1, NM_001408408.1); c.244G>C, p.Ala82Pro (NM_001407653.1, NM_001407654.1, NM_001407655.1 and 21 more transcripts); c.181G>C, p.Ala61Pro (NM_001407692.1, NM_001407694.1, NM_001407695.1 and 99 more transcripts); c.-60G>C (NM_001407959.1, NM_001407960.1, NM_001407962.1 and 4 more transcripts); c.190G>C, p.Ala64Pro (NM_001408451.1); c.-218-9381G>C (NM_001407967.1, NM_001407966.1); short protein forms A105P, A108P, A38P, A61P, A64P, A82P.
Identifiers: ClinVar variation 4533104 (VCV004533104.1).

ClinVar aggregate classification (germline): Uncertain significance (1 of 4 stars; one submission).

Submission:

Quest Diagnostics Nichols Institute San Juan Capistrano
Classification: Uncertain significance. Last evaluated: 2025-04-11. Review status: criteria provided, single submitter. Criteria: Quest Diagnostics criteria. Collection method: clinical testing. Allele origin: unknown.
Comment: The BRCA1 c.322G>C (p.Ala108Pro) variant has not been reported in individuals with BRCA1-related conditions in the published literature. It also has not been reported in large, multi-ethnic general populations (Genome Aggregation Database). Analysis of this variant using bioinformatics tools for the prediction of the effect of amino acid changes on protein structure and function yielded predictions that this variant is benign. Based on the available information, we are unable to determine the clinical significance of this variant.